The following is an entry in ClinVar:

ClinVar aggregate classification (germline): Conflicting classifications of pathogenicity. Review status: criteria provided, conflicting classifications (1 of 4 stars). 6 submissions from 5 submitters: Uncertain significance (2); Likely benign (3). 1 of the submissions does not count toward it. Last evaluated 2026-01-12.

Conditions:
Maturity-onset diabetes of the young (MODY). Also called: Maturity onset diabetes mellitus in young. Identifiers: Orphanet 552, MedGen C0342276, MONDO:0018911, HP:0004904.
Inborn genetic diseases. Identifiers: MedGen C0950123, MeSH D030342.
Transitory neonatal diabetes mellitus. Also called: Transient neonatal diabetes mellitus. Identifiers: MedGen C0342273, MONDO:0020525, HP:0008255.
Hereditary hyperinsulinism.

Allele frequency attached by ClinVar (database versions not stated): gnomAD exomes 0.00004; ExAC 0.00005; ESP Exome Variant Server 0.00008; gnomAD 0.00013; TOPMed 0.00020; 1000 Genomes Project 30x 0.00031; 1000 Genomes Project 0.00040.
gnomAD v4.1: 40 of 1,613,640 alleles (0.0025%); highest among the groups gnomAD compares: African/African-American, 0.04%; no homozygotes.

Submissions (6):

Labcorp Genetics (formerly Invitae), Labcorp
Classification: Likely benign. Last evaluated: 2026-01-12. Review status: criteria provided, single submitter. Criteria: Invitae Variant Classification Sherloc (09022015). Collection method: clinical testing. Allele origin: germline.

Women's Health and Genetics/Laboratory Corporation of America, LabCorp
Classification: Likely benign. Last evaluated: 2024-03-08. Review status: criteria provided, single submitter. Criteria: LabCorp Variant Classification Summary - May 2015. Collection method: clinical testing. Allele origin: germline.

Ambry Genetics
Classification: Likely benign for Inborn genetic diseases. Last evaluated: 2020-02-14. Review status: criteria provided, single submitter. Criteria: Ambry Variant Classification Scheme 2023. Collection method: clinical testing. Allele origin: germline.

Clinical Genomics, Uppaluri K&H Personalized Medicine Clinic
Classification: Uncertain significance for Transitory neonatal diabetes mellitus. Review status: criteria provided, single submitter. Criteria: K & H Uppaluri Personalized Medicine Clinic Variant Classification & Assertion Criteria_Updated V.1. Collection method: research. Allele origin: somatic. Inheritance: Somatic mutation.
Comment: Mutations in ABCC8 gene are associated with both neonatal diabetes mellitus as well as MODY. Patients with this mutation may have a better response to sulfonylureas. However, no sufficient evidence is found to ascertain the role of this particular variant (rs368419322) in neonatal diabetes yet.

Clinical Genomics, Uppaluri K&H Personalized Medicine Clinic
Classification: Uncertain significance for Maturity-onset diabetes of the young. Review status: criteria provided, single submitter. Criteria: K & H Uppaluri Personalized Medicine Clinic Variant Classification & Assertion Criteria_Updated V.1. Collection method: research. Allele origin: somatic. Inheritance: Somatic mutation.
Comment: Mutations in ABCC8 gene are associated with both neonatal diabetes mellitus as well as MODY. Patients with this mutation may have a better response to sulfonylureas. However, no sufficient evidence is found to ascertain the role of this particular variant (rs368419322) in MODY yet.

Natera, Inc.
Classification: Uncertain significance for Hereditary hyperinsulinism. Last evaluated: 2020-04-10. Review status: no assertion criteria provided. Collection method: clinical testing. Allele origin: germline. Not counted in ClinVar's aggregate classification.

Literature cited by the submitters: PubMed 16885549 (cited by Clinical Genomics, Uppaluri K&H Personalized Medicine Clinic); PubMed 21989597 (cited by Clinical Genomics, Uppaluri K&H Personalized Medicine Clinic); PubMed 27538677 (cited by Clinical Genomics, Uppaluri K&H Personalized Medicine Clinic); PubMed 18981553 (cited by Clinical Genomics, Uppaluri K&H Personalized Medicine Clinic); PubMed 32027066 (cited by Clinical Genomics, Uppaluri K&H Personalized Medicine Clinic); PubMed 16613899 (cited by Clinical Genomics, Uppaluri K&H Personalized Medicine Clinic); PubMed 18025408 (cited by Clinical Genomics, Uppaluri K&H Personalized Medicine Clinic); PubMed 32792356 (cited by Clinical Genomics, Uppaluri K&H Personalized Medicine Clinic).

NM_000352.6(ABCC8):c.3984C>T (p.Leu1328=)

Gene: ABCC8 (ATP binding cassette subfamily C member 8; minus strand). Cytogenetic location: 11p15.1.
Variant type: single nucleotide variant.
Coding change: c.3984C>T on transcript NM_000352.6 (MANE Select); coding-DNA position 3984, C replaced by T.
Protein change: p.Leu1328=; no amino-acid change (leucine 1328 retained).
Molecular consequence: synonymous variant. On other transcripts: non-coding transcript variant (1).
Genome position (GRCh38, 1-based): chr11:17,397,197, G>A on the plus strand (C>T on the coding strand, the complement: ABCC8 is on the minus strand). VCF-style: chr11-17397197-G-A. GRCh37 (hg19) VCF-style: chr11-17418744-G-A.
Other names: c.3984C>T, p.Leu1328= (NM_001351296.2); c.3981C>T, p.Leu1327= (NM_001351297.2); c.3984C>T (NM_000352.3); c.3987C>T, p.Leu1329= (NM_001287174.3); c.4050C>T, p.Leu1350= (NM_001351295.2).
Identifiers: ClinVar variation 989960 (VCV000989960.15), dbSNP rs368419322, ClinGen allele CA5902628.